The following is an entry in ClinVar:

NM_001009944.3(PKD1):c.9568G>C (p.Gly3190Arg)

Gene: PKD1 (polycystin 1, transient receptor potential channel interacting; minus strand). Cytogenetic location: 16p13.3.
Variant type: single nucleotide variant.
Coding change: c.9568G>C on transcript NM_001009944.3 (MANE Select); coding-DNA position 9568, G replaced by C.
Protein change: p.Gly3190Arg; replaces glycine 3190 with arginine.
Molecular consequence: missense variant.
Genome position (GRCh38, 1-based): chr16:2,100,396, C>G on the plus strand (G>C on the coding strand, the complement: PKD1 is on the minus strand). VCF-style: chr16-2100396-C-G. GRCh37 (hg19) VCF-style: chr16-2150397-C-G.
Other names: c.9568G>C, p.Gly3190Arg (NM_000296.4); short protein forms G3190R.
Identifiers: ClinVar variation 3382936 (VCV003382936.3).

ClinVar aggregate classification (germline): Conflicting classifications of pathogenicity. Review status: criteria provided, conflicting classifications (1 of 4 stars). 2 submissions from 2 submitters: Likely pathogenic (1); Uncertain significance (1). Last evaluated 2023-06-08.

Conditions:
PKD1-related disorder. Also called: PKD1-related condition.
Polycystic kidney disease, adult type (PKD1). Also called: Polycystic Kidney Disease 1, Autosomal Dominant; Polycystic kidney disease 1; Polycystic kidney disease 1, severe; POLYCYSTIC KIDNEY DISEASE 1 WITH OR WITHOUT POLYCYSTIC LIVER DISEASE; POLYCYSTIC KIDNEY DISEASE, ADULT, TYPE I; Polycystic Kidney, Autosomal Dominant. Identifiers: MedGen C3149841, MONDO:0008263, OMIM 173900.

Submissions (2):

Blueprint Genetics
Classification: Likely pathogenic for PKD1-related disorders. Last evaluated: 2023-06-08. Review status: criteria provided, single submitter. Criteria: ACMG Guidelines, 2015. Collection method: clinical testing. Allele origin: germline. Affected: yes. Observed: 1 variant allele.

Juno Genomics, Hangzhou Juno Genomics, Inc
Classification: Uncertain significance for Polycystic kidney disease, adult type. Review status: criteria provided, single submitter. Criteria: ACMG Guidelines, 2015. Collection method: clinical testing. Allele origin: germline. Affected: yes.
Comment: Absent from controls (or at extremely low frequency if recessive) in Genome Aggregation Database, Exome Sequencing Project, 1000 Genomes Project, or Exome Aggregation Consortium.;Multiple lines of computational evidence support a deleterious effect on the gene or gene product (conservation, evolutionary, splicing impact, etc).;The prevalence of the variant in affected individuals is significantly increased compared to the prevalence in controls.;Patient's phenotype or family history is highly specific for a disease with a single genetic etiology.